The following is an entry in ClinVar:

NM_003098.3(SNTA1):c.976T>C (p.Ser326Pro)

Gene: SNTA1 (syntrophin alpha 1; minus strand). Cytogenetic location: 20q11.21.
Variant type: single nucleotide variant.
Coding change: c.976T>C on transcript NM_003098.3 (MANE Select); coding-DNA position 976, T replaced by C.
Protein change: p.Ser326Pro; replaces serine 326 with proline.
Molecular consequence: missense variant.
Genome position (GRCh38, 1-based): chr20:33,412,360, A>G on the plus strand (T>C on the coding strand, the complement: SNTA1 is on the minus strand). VCF-style: chr20-33412360-A-G. GRCh37 (hg19) VCF-style: chr20-32000166-A-G.
Other names: c.976T>C, p.Ser326Pro (NM_001424413.1, NM_001424414.1); short protein forms S326P.
Identifiers: ClinVar variation 4743138 (VCV004743138.1).

ClinVar aggregate classification (germline): Uncertain significance (1 of 4 stars; one submission).

Conditions:
Long QT syndrome (LQTS). Identifiers: MedGen C0023976, MeSH D008133, MONDO:0002442. Disease mechanism: loss of function. Inheritance: Various modes of inheritance.

Submission:

Labcorp Genetics (formerly Invitae), Labcorp
Classification: Uncertain significance for Long QT syndrome. Last evaluated: 2025-08-26. Review status: criteria provided, single submitter. Criteria: Invitae Variant Classification Sherloc (09022015). Collection method: clinical testing. Allele origin: germline.
Comment: This sequence change replaces serine, which is neutral and polar, with proline, which is neutral and non-polar, at codon 326 of the SNTA1 protein (p.Ser326Pro). This variant is not present in population databases (gnomAD no frequency). This variant has not been reported in the literature in individuals affected with SNTA1-related conditions. Invitae Evidence Modeling of protein sequence and biophysical properties (such as structural, functional, and spatial information, amino acid conservation, physicochemical variation, residue mobility, and thermodynamic stability) indicates that this missense variant is not expected to disrupt SNTA1 protein function with a negative predictive value of 80%. In summary, the available evidence is currently insufficient to determine the role of this variant in disease. Therefore, it has been classified as a Variant of Uncertain Significance.